The following is an entry in ClinVar:

ClinVar aggregate classification (germline): Uncertain significance. Review status: criteria provided, multiple submitters, no conflicts (2 of 4 stars). 2 submissions from 2 submitters: Uncertain significance (2). Last evaluated 2025-11-16.

Conditions:
Familial temporal lobe epilepsy 7. Identifiers: Orphanet 101046, MedGen C4225327, MONDO:0014639, OMIM 616436.
Norman-Roberts syndrome (LIS2). Also called: Lissencephaly 2 (Norman-Roberts type). Identifiers: Orphanet 89844, MedGen C0796089, MONDO:0009760, OMIM 257320.

gnomAD v4.1: 3 of 1,609,168 alleles (0.00019%); highest among the groups gnomAD compares: African/African-American, 0.0013%; no homozygotes.

Submissions (2):

Labcorp Genetics (formerly Invitae), Labcorp
Classification: Uncertain significance for Familial temporal lobe epilepsy 7; Norman-Roberts syndrome. Last evaluated: 2025-11-16. Review status: criteria provided, single submitter. Criteria: Invitae Variant Classification Sherloc (09022015). Collection method: clinical testing. Allele origin: germline.
Comment: This sequence change replaces isoleucine, which is neutral and non-polar, with valine, which is neutral and non-polar, at codon 635 of the RELN protein (p.Ile635Val). This variant is not present in population databases (gnomAD no frequency). This variant has not been reported in the literature in individuals affected with RELN-related conditions. ClinVar contains an entry for this variant (Variation ID: 3750634). Invitae Evidence Modeling of protein sequence and biophysical properties (such as structural, functional, and spatial information, amino acid conservation, physicochemical variation, residue mobility, and thermodynamic stability) indicates that this missense variant is not expected to disrupt RELN protein function with a negative predictive value of 80%. In summary, the available evidence is currently insufficient to determine the role of this variant in disease. Therefore, it has been classified as a Variant of Uncertain Significance.

GeneDx
Classification: Uncertain significance. Last evaluated: 2024-11-22. Review status: criteria provided, single submitter. Criteria: GeneDx Variant Classification Process June 2021. Collection method: clinical testing. Allele origin: germline. Affected: yes.
Comment: Not observed at significant frequency in large population cohorts (gnomAD); In silico analysis indicates that this missense variant does not alter protein structure/function; Has not been previously published as pathogenic or benign to our knowledge

NM_005045.4(RELN):c.1903A>G (p.Ile635Val)

Gene: RELN (reelin; minus strand). Cytogenetic location: 7q22.1.
Variant type: single nucleotide variant.
Coding change: c.1903A>G on transcript NM_005045.4 (MANE Select); coding-DNA position 1903, A replaced by G.
Protein change: p.Ile635Val; replaces isoleucine 635 with valine.
Molecular consequence: missense variant.
Genome position (GRCh38, 1-based): chr7:103,650,373, T>C on the plus strand (A>G on the coding strand, the complement: RELN is on the minus strand). VCF-style: chr7-103650373-T-C. GRCh37 (hg19) VCF-style: chr7-103290820-T-C.
Other names: c.1903A>G (NM_005045.3); c.1903A>G, p.Ile635Val (NM_173054.3); short protein forms I635V.
Identifiers: ClinVar variation 3750634 (VCV003750634.3).
Genomic context (GRCh38, chr7:103,650,373, plus strand): 5'-TTTGTCTCCAGCGAATCCTGGTGTTCCGGGTTAGTGCTGCGTTAGGAAGGGGAATTGTTA[T>C]TCGGTTCCACCTGCAAGAAATTTAGCACAAAACCATCTTCACAACTATGTTCATATCTTT-3'
Protein context (NP_005036.2, residues 625-645): SSENYSGWNR[Ile635Val]TIPLPNAALT